The following is an entry in ClinVar:

ClinVar aggregate classification (germline): Benign/Likely benign. Review status: criteria provided, multiple submitters, no conflicts (2 of 4 stars). 5 submissions from 5 submitters: Benign (2); Likely benign (2). 1 of the submissions does not count toward it. Last evaluated 2026-09-01.

Conditions:
KBG syndrome (KBGS). Also called: ANKRD11-Related KBG Syndrome. Identifiers: Orphanet 2332, MedGen C0220687, MONDO:0007846, OMIM 148050.
ANKRD11-related disorder. Also called: ANKRD11-related condition.

Allele frequency attached by ClinVar (database versions not stated): gnomAD exomes 0.00004; TOPMed 0.00004; gnomAD 0.00007; ExAC 0.00016.
gnomAD v4.1: 67 of 1,613,474 alleles (0.0042%); highest among the groups gnomAD compares: East Asian, 0.089%; no homozygotes.

Submissions (5):

CeGaT Center for Human Genetics Tuebingen
Classification: Likely benign. Last evaluated: 2026-09-01. Review status: criteria provided, single submitter. Criteria: CeGaT Center For Human Genetics Tuebingen Variant Classification Criteria Version 2. Collection method: clinical testing. Allele origin: germline. Affected: yes. Observed: 1 variant allele.
Comment: ANKRD11: BP4, BP7

Women's Health and Genetics/Laboratory Corporation of America, LabCorp
Classification: Benign. Last evaluated: 2026-06-05. Review status: criteria provided, single submitter. Criteria: LabCorp Variant Classification Summary - May 2015. Collection method: clinical testing. Allele origin: germline.

Labcorp Genetics (formerly Invitae), Labcorp
Classification: Benign for KBG syndrome. Last evaluated: 2025-08-30. Review status: criteria provided, single submitter. Criteria: Invitae Variant Classification Sherloc (09022015). Collection method: clinical testing. Allele origin: germline.

Blueprint Genetics
Classification: Likely benign. Last evaluated: 2021-10-19. Review status: criteria provided, single submitter. Criteria: ACMG Guidelines, 2015. Collection method: clinical testing. Allele origin: germline.

PreventionGenetics, part of Exact Sciences
Classification: Likely benign for ANKRD11-related condition. Last evaluated: 2019-04-05. Review status: no assertion criteria provided. Collection method: clinical testing. Allele origin: germline. Not counted in ClinVar's aggregate classification.
Comment: This variant is classified as likely benign based on ACMG/AMP sequence variant interpretation guidelines (Richards et al. 2015 PMID: 25741868, with internal and published modifications).

NM_013275.6(ANKRD11):c.5877C>T (p.Ala1959=)

Gene: ANKRD11 (ankyrin repeat domain 11; minus strand). Cytogenetic location: 16q24.3.
Variant type: single nucleotide variant.
Coding change: c.5877C>T on transcript NM_013275.6 (MANE Select); coding-DNA position 5877, C replaced by T.
Protein change: p.Ala1959=; no amino-acid change (alanine 1959 retained).
Molecular consequence: synonymous variant.
Genome position (GRCh38, 1-based): chr16:89,280,665, G>A on the plus strand (C>T on the coding strand, the complement: ANKRD11 is on the minus strand). VCF-style: chr16-89280665-G-A. GRCh37 (hg19) VCF-style: chr16-89347073-G-A.
Other names: c.5877C>T, p.Ala1959= (NM_001256182.2, NM_001256183.2); c.5877C>T (NM_013275.5).
Identifiers: ClinVar variation 2880321 (VCV002880321.8), dbSNP rs759714831, ClinGen allele CA8241689.